The following is an entry in ClinVar:

NM_016519.6(AMBN):c.753+3A>G

Gene: AMBN (ameloblastin; plus strand). Cytogenetic location: 4q13.3.
Variant type: single nucleotide variant.
Coding change: c.753+3A>G on transcript NM_016519.6 (MANE Select); 3 bases into the intron after coding-DNA position 753, A replaced by G.
Molecular consequence: intron variant.
Genome position (GRCh38, 1-based): chr4:70,603,463, A>G. VCF-style: chr4-70603463-A-G. GRCh37 (hg19) VCF-style: chr4-71469180-A-G.
Identifiers: ClinVar variation 3053528 (VCV003053528.2), dbSNP rs376440889, ClinGen allele CA2951504.

ClinVar aggregate classification (germline): Likely benign (0 of 4 stars; one submission).

Conditions:
AMBN-related disorder. Also called: AMBN-related condition.

Allele frequency attached by ClinVar (database versions not stated): ExAC 0.00011; gnomAD exomes 0.00015; ESP Exome Variant Server 0.00023; gnomAD 0.00026; TOPMed 0.00044.
gnomAD v4.1: 254 of 1,611,232 alleles (0.016%); highest among the groups gnomAD compares: Middle Eastern, 0.042%; no homozygotes.

Submission:

PreventionGenetics, part of Exact Sciences
Classification: Likely benign for AMBN-related condition. Last evaluated: 2019-08-16. Review status: no assertion criteria provided. Collection method: clinical testing. Allele origin: germline.
Comment: This variant is classified as likely benign based on ACMG/AMP sequence variant interpretation guidelines (Richards et al. 2015 PMID: 25741868, with internal and published modifications).